The following is an entry in ClinVar:

ClinVar aggregate classification (germline): Uncertain significance. Review status: criteria provided, multiple submitters, no conflicts (2 of 4 stars). 2 submissions from 2 submitters: Uncertain significance (2). Last evaluated 2025-11-11.

Conditions:
Multiple endocrine neoplasia, type 2 (MEN2). Identifiers: Orphanet 653, MedGen C4048306, MONDO:0019003. Disease mechanism: gain of function.
Hereditary cancer-predisposing syndrome. Also called: Hereditary neoplastic syndrome; Hereditary Cancer Syndrome; Neoplastic Syndromes, Hereditary; Tumor predisposition. Identifiers: Orphanet 140162, MedGen C0027672, MeSH D009386, MONDO:0015356.

Submissions (2):

Ambry Genetics
Classification: Uncertain significance for Hereditary cancer-predisposing syndrome. Last evaluated: 2025-11-11. Review status: criteria provided, single submitter. Criteria: Ambry Variant Classification Scheme 2023. Collection method: clinical testing. Allele origin: germline.
Comment: The p.L586H variant (also known as c.1757T>A), located in coding exon 9 of the RET gene, results from a T to A substitution at nucleotide position 1757. The leucine at codon 586 is replaced by histidine, an amino acid with similar properties. This amino acid position is not well conserved in available vertebrate species. In addition, the in silico prediction for this alteration is inconclusive. Based on the available evidence, the clinical significance of this variant remains unclear.

Labcorp Genetics (formerly Invitae), Labcorp
Classification: Uncertain significance for Multiple endocrine neoplasia, type 2. Last evaluated: 2021-08-22. Review status: criteria provided, single submitter. Criteria: Invitae Variant Classification Sherloc (09022015). Collection method: clinical testing. Allele origin: germline.
Comment: This variant has not been reported in the literature in individuals affected with RET-related conditions. This variant is not present in population databases (ExAC no frequency). This sequence change replaces leucine with histidine at codon 586 of the RET protein (p.Leu586His). The leucine residue is weakly conserved and there is a moderate physicochemical difference between leucine and histidine. Algorithms developed to predict the effect of missense changes on protein structure and function are either unavailable or do not agree on the potential impact of this missense change (SIFT: "Deleterious"; PolyPhen-2: "Possibly Damaging"; Align-GVGD: "Class C0"). In summary, the available evidence is currently insufficient to determine the role of this variant in disease. Therefore, it has been classified as a Variant of Uncertain Significance.

NM_020975.6(RET):c.1757T>A (p.Leu586His)

Gene: RET (ret proto-oncogene; plus strand). Cytogenetic location: 10q11.21.
Variant type: single nucleotide variant.
Coding change: c.1757T>A on transcript NM_020975.6 (MANE Select); coding-DNA position 1757, T replaced by A.
Protein change: p.Leu586His; replaces leucine 586 with histidine.
Molecular consequence: missense variant.
Genome position (GRCh38, 1-based): chr10:43,112,961, T>A. VCF-style: chr10-43112961-T-A. GRCh37 (hg19) VCF-style: chr10-43608409-T-A.
Other names: c.1757T>A, p.Leu586His (NM_000323.2, NM_001406743.1, NM_001406744.1 and 6 more transcripts); c.995T>A, p.Leu332His (NM_001355216.2); c.1628T>A, p.Leu543His (NM_001406761.1, NM_001406762.1, NM_001406764.1 and 1 more transcripts); c.1469T>A, p.Leu490His (NM_001406766.1, NM_001406767.1, NM_001406770.1); c.1361T>A, p.Leu454His (NM_001406769.1, NM_001406772.1); c.1319T>A, p.Leu440His (NM_001406771.1, NM_001406773.1); c.1232T>A, p.Leu411His (NM_001406774.1); c.1031T>A, p.Leu344His (NM_001406775.1, NM_001406776.1, NM_001406777.1 and 1 more transcripts); and 5 more; short protein forms L586H, L332H, L191H, L244H, L411H, L440H, L103H, L256H.
Identifiers: ClinVar variation 1404658 (VCV001404658.8), dbSNP rs2132817593, ClinGen allele CA376552259.